The following is an entry in ClinVar:

NM_002693.3(POLG):c.141G>A (p.Gln47=)

Genes: POLG (DNA polymerase gamma, catalytic subunit; minus strand), POLGARF (POLG alternative reading frame; minus strand). Cytogenetic location: 15q26.1.
Variant type: single nucleotide variant.
Coding change: c.141G>A on transcript NM_002693.3 (MANE Select); coding-DNA position 141, G replaced by A.
Protein change: p.Gln47=; no amino-acid change (glutamine 47 retained).
Molecular consequence: synonymous variant.
Genome position (GRCh38, 1-based): chr15:89,333,614, C>T on the plus strand (G>A on the coding strand, the complement: POLG is on the minus strand). VCF-style: chr15-89333614-C-T. GRCh37 (hg19) VCF-style: chr15-89876845-C-T.
Other names: c.141G>A, p.Gln47= (NM_001126131.2).
Identifiers: ClinVar variation 3048999 (VCV003048999.2), dbSNP rs751340430, ClinGen allele CA7725189.
Genomic context (GRCh38, chr15:89,333,614, plus strand): 5'-CCCGCCCTCCGAGGATAGCACTTGCGGCTGCTGAGGCTGCTGTTGCTGCTGCTGCTGCTG[C>T]TGCTGCTGCTGCTGCCGCCGCCGCTGCCCGTCGCTGGGGTCGGACGCGGGGACGGAGCTG-3'
Protein context (NP_002684.1, residues 37-57): DGQRRRQQQQ[Gln47=]QQQQQQQQPQ

ClinVar aggregate classification (germline): Likely benign (0 of 4 stars; one submission).

Conditions:
POLG-related disorder. Also called: POLG-Related Spectrum Disorders; POLG-related condition; POLG-Related Disorders. Identifiers: MedGen C4763519.

Allele frequency attached by ClinVar (database versions not stated): ExAC 0.00001; gnomAD 0.00001; gnomAD exomes 0.00001.
gnomAD v4.1: 19 of 1,600,452 alleles (0.0012%); highest among the groups gnomAD compares: Non-Finnish European, 0.00085%; no homozygotes.

Submission:

PreventionGenetics, part of Exact Sciences
Classification: Likely benign for POLG-related condition. Last evaluated: 2019-12-09. Review status: no assertion criteria provided. Collection method: clinical testing. Allele origin: germline.
Comment: This variant is classified as likely benign based on ACMG/AMP sequence variant interpretation guidelines (Richards et al. 2015 PMID: 25741868, with internal and published modifications).